The following is an entry in ClinVar:

ClinVar aggregate classification (germline): Likely pathogenic (1 of 4 stars; one submission).

Submission:

Labcorp Genetics (formerly Invitae), Labcorp
Classification: Likely pathogenic. Last evaluated: 2024-12-04. Review status: criteria provided, single submitter. Criteria: Invitae Variant Classification Sherloc (09022015). Collection method: clinical testing. Allele origin: germline.
Comment: This sequence change replaces glycine, which is neutral and non-polar, with aspartic acid, which is acidic and polar, at codon 463 of the COL4A5 protein (p.Gly463Asp). This variant is not present in population databases (gnomAD no frequency). This missense change has been observed in individual(s) with clinical features of Alport syndrome (internal data). Invitae Evidence Modeling of protein sequence and biophysical properties (such as structural, functional, and spatial information, amino acid conservation, physicochemical variation, residue mobility, and thermodynamic stability) indicates that this missense variant is expected to disrupt COL4A5 protein function with a positive predictive value of 95%. This variant disrupts the triple helix domain of COL4A5. Glycine residues within the Gly-Xaa-Yaa repeats of the triple helix domain are required for the structure and stability of fibrillar collagens (PMID: 7695699, 8218237, 19344236). In COL4A5, missense variants at these glycine residues are significantly enriched in individuals with disease (PMID: 23720012, 27627812) compared to the general population (ExAC). This variant disrupts the p.Gly463 amino acid residue in COL4A5. Other variant(s) that disrupt this residue have been observed in individuals with COL4A5-related conditions (PMID: 35020912), which suggests that this may be a clinically significant amino acid residue. In summary, the currently available evidence indicates that the variant is pathogenic, but additional data are needed to prove that conclusively. Therefore, this variant has been classified as Likely Pathogenic.

Literature cited by the submitters: PubMed 7695699; PubMed 8218237; PubMed 19344236; PubMed 23720012; PubMed 27627812; PubMed 35020912.

NM_033380.3(COL4A5):c.1388G>A (p.Gly463Asp)

Gene: COL4A5 (collagen type IV alpha 5 chain; plus strand). Cytogenetic location: Xq22.3.
Variant type: single nucleotide variant.
Coding change: c.1388G>A on transcript NM_033380.3 (MANE Select); coding-DNA position 1388, G replaced by A.
Protein change: p.Gly463Asp; replaces glycine 463 with aspartic acid.
Molecular consequence: missense variant.
Genome position (GRCh38, 1-based): chrX:108,591,609, G>A. VCF-style: chrX-108591609-G-A. GRCh37 (hg19) VCF-style: chrX-107834839-G-A.
Other names: c.1388G>A, p.Gly463Asp (NM_000495.5); short protein forms G463D.
Identifiers: ClinVar variation 3636315 (VCV003636315.2).